The following is an entry in ClinVar:

NM_006736.6(DNAJB2):c.218T>C (p.Leu73Pro)

Gene: DNAJB2 (DnaJ heat shock protein family (Hsp40) member B2; plus strand). Cytogenetic location: 2q35.
Variant type: single nucleotide variant.
Coding change: c.218T>C on transcript NM_006736.6 (MANE Select); coding-DNA position 218, T replaced by C.
Protein change: p.Leu73Pro; replaces leucine 73 with proline.
Molecular consequence: missense variant.
Genome position (GRCh38, 1-based): chr2:219,281,760, T>C. VCF-style: chr2-219281760-T-C. GRCh37 (hg19) VCF-style: chr2-220146482-T-C.
Other names: c.218T>C, p.Leu73Pro (NM_001039550.2); short protein forms L73P.
Identifiers: ClinVar variation 1926853 (VCV001926853.2), dbSNP rs1250206079, ClinGen allele CA350647784.
Genomic context (GRCh38, chr2:219,281,760, plus strand): 5'-TCTGGTCTCTTTTTGCAGAGCACAAGCGGGAGATTTACGACCGCTATGGCCGGGAAGGGC[T>C]GACAGGGACAGGTAGGTGGAGTGGTGAGGCCCAGGAATGGAGGTGGGGCAGGGAGGAGAG-3'
Protein context (NP_006727.2, residues 63-83): EIYDRYGREG[Leu73Pro]TGTGTGPSRA

ClinVar aggregate classification (germline): Uncertain significance (1 of 4 stars; one submission).

Conditions:
Neuronopathy, distal hereditary motor, autosomal recessive 5. Also called: NEUROPATHY, DISTAL HEREDITARY MOTOR, AUTOSOMAL RECESSIVE 5; Spinal muscular atrophy, distal, autosomal recessive, 5; Young adult-onset distal hereditary motor neuropathy. Identifiers: Orphanet 314485, Orphanet 443950, MedGen C4749918, MONDO:0013947, OMIM 614881.

Allele frequency attached by ClinVar (database versions not stated): gnomAD exomes below 0.00001.
gnomAD v4.1: 3 of 1,613,958 alleles (0.00019%); highest among the groups gnomAD compares: Non-Finnish European, 0.00025%; no homozygotes.

Submission:

Labcorp Genetics (formerly Invitae), Labcorp
Classification: Uncertain significance for Neuronopathy, distal hereditary motor, autosomal recessive 5. Last evaluated: 2022-06-07. Review status: criteria provided, single submitter. Criteria: Invitae Variant Classification Sherloc (09022015). Collection method: clinical testing. Allele origin: germline.
Comment: This sequence change replaces leucine, which is neutral and non-polar, with proline, which is neutral and non-polar, at codon 73 of the DNAJB2 protein (p.Leu73Pro). This variant is present in population databases (no rsID available, gnomAD 0.0009%). This variant has not been reported in the literature in individuals affected with DNAJB2-related conditions. Algorithms developed to predict the effect of missense changes on protein structure and function are either unavailable or do not agree on the potential impact of this missense change (SIFT: "Deleterious"; PolyPhen-2: "Possibly Damaging"; Align-GVGD: "Class C0"). In summary, the available evidence is currently insufficient to determine the role of this variant in disease. Therefore, it has been classified as a Variant of Uncertain Significance.